The following is an entry in ClinVar:

NM_000475.5(NR0B1):c.1275A>T (p.Arg425Ser)

Gene: NR0B1 (nuclear receptor subfamily 0 group B member 1; minus strand). Cytogenetic location: Xp21.2.
Variant type: single nucleotide variant.
Coding change: c.1275A>T on transcript NM_000475.5 (MANE Select); coding-DNA position 1275, A replaced by T.
Protein change: p.Arg425Ser; replaces arginine 425 with serine.
Molecular consequence: missense variant.
Genome position (GRCh38, 1-based): chrX:30,304,717, T>A on the plus strand (A>T on the coding strand, the complement: NR0B1 is on the minus strand). VCF-style: chrX-30304717-T-A. GRCh37 (hg19) VCF-style: chrX-30322834-T-A.
Other names: short protein forms R425S.
Identifiers: ClinVar variation 3629615 (VCV003629615.1).
Genomic context (GRCh38, chrX:30,304,717, plus strand): 5'-AGCAATGACATTGGCATTGATGAATCTCAGCAGGAAAAGGGTACTATTAAGTTCGATGAA[T>A]CTGTCATGGGGCCCTTGGTGCGTCATCCTGGTGTGTTCACTGAGTATTTGCTGAGTTCCC-3'
Protein context (NP_000466.2, residues 415-435): TRMTHQGPHD[Arg425Ser]FIELNSTLFL

ClinVar aggregate classification (germline): Uncertain significance (1 of 4 stars; one submission).

Submission:

Women's Health and Genetics/Laboratory Corporation of America, LabCorp
Classification: Uncertain significance. Last evaluated: 2024-11-15. Review status: criteria provided, single submitter. Criteria: LabCorp Variant Classification Summary - May 2015. Collection method: clinical testing. Allele origin: germline.
Comment: Variant summary: NR0B1 c.1275A>T (p.Arg425Ser) results in a non-conservative amino acid change located in the nuclear hormone receptor, ligand-binding domain (IPR000536) of the encoded protein sequence. Five of five in-silico tools predict a damaging effect of the variant on protein function. The variant was absent in 183526 control chromosomes (gnomAD). The available data on variant occurrences in the general population are insufficient to allow any conclusion about variant significance. c.1275A>T has been reported in the literature in at least an individual affected with X-Linked adrenal hypoplasia congenita (example: Zheng_2023). These data do not allow any conclusion about variant significance. To our knowledge, no experimental evidence demonstrating an impact on protein function has been reported. The following publications have been ascertained in the context of this evaluation (PMID: 37586839, 37237297). No submitters have cited clinical-significance assessments for this variant to ClinVar. Based on the evidence outlined above, the variant was classified as uncertain significance.

Literature cited by the submitters: PubMed 37586839; PubMed 37237297.